The following is an entry in ClinVar:

ClinVar aggregate classification (germline): Uncertain significance. Review status: criteria provided, multiple submitters, no conflicts (2 of 4 stars). 2 submissions from 2 submitters: Uncertain significance (2). Last evaluated 2026-05-27.

Conditions:
Inborn genetic diseases. Identifiers: MedGen C0950123, MeSH D030342.

Submissions (2):

Ambry Genetics
Classification: Uncertain significance for Inborn genetic diseases. Last evaluated: 2026-05-27. Review status: criteria provided, single submitter. Criteria: Ambry Variant Classification Scheme 2023. Collection method: clinical testing. Allele origin: germline.

Labcorp Genetics (formerly Invitae), Labcorp
Classification: Uncertain significance. Last evaluated: 2024-03-01. Review status: criteria provided, single submitter. Criteria: Invitae Variant Classification Sherloc (09022015). Collection method: clinical testing. Allele origin: germline.
Comment: This sequence change replaces threonine, which is neutral and polar, with alanine, which is neutral and non-polar, at codon 773 of the MYH3 protein (p.Thr773Ala). This variant is not present in population databases (gnomAD no frequency). This variant has not been reported in the literature in individuals affected with MYH3-related conditions. Advanced modeling of protein sequence and biophysical properties (such as structural, functional, and spatial information, amino acid conservation, physicochemical variation, residue mobility, and thermodynamic stability) performed at Invitae indicates that this missense variant is not expected to disrupt MYH3 protein function with a negative predictive value of 95%. In summary, the available evidence is currently insufficient to determine the role of this variant in disease. Therefore, it has been classified as a Variant of Uncertain Significance.

NM_002470.4(MYH3):c.2317A>G (p.Thr773Ala)

Gene: MYH3 (myosin heavy chain 3; minus strand). Cytogenetic location: 17p13.1.
Variant type: single nucleotide variant.
Coding change: c.2317A>G on transcript NM_002470.4 (MANE Select); coding-DNA position 2317, A replaced by G.
Protein change: p.Thr773Ala; replaces threonine 773 with alanine.
Molecular consequence: missense variant.
Genome position (GRCh38, 1-based): chr17:10,640,442, T>C on the plus strand (A>G on the coding strand, the complement: MYH3 is on the minus strand). VCF-style: chr17-10640442-T-C. GRCh37 (hg19) VCF-style: chr17-10543759-T-C.
Other names: c.2317A>G (NM_002470.3); short protein forms T773A.
Identifiers: ClinVar variation 3676424 (VCV003676424.3).
Genomic context (GRCh38, chr17:10,640,442, plus strand): 5'-ACACAGCTTGTGTCCGGGTGATTAGTTTGGCCAGGCGGTCATCCCGCATCTCTTCCAGGG[T>C]TCCCAGCAAGCCAGCCTTGAAGAACACCTTATGGGGCAGAAGGGTGACATGAGTCAGTTT-3'
Protein context (NP_002461.2, residues 763-783): KVFFKAGLLG[Thr773Ala]LEEMRDDRLA